The following is an entry in ClinVar:

NM_001378454.1(ALMS1):c.7439C>T (p.Ala2480Val)

Gene: ALMS1 (ALMS1 centrosome and basal body associated protein; plus strand). Cytogenetic location: 2p13.1.
Variant type: single nucleotide variant.
Coding change: c.7439C>T on transcript NM_001378454.1 (MANE Select); coding-DNA position 7439, C replaced by T.
Protein change: p.Ala2480Val; replaces alanine 2480 with valine.
Molecular consequence: missense variant.
Genome position (GRCh38, 1-based): chr2:73,453,966, C>T. VCF-style: chr2-73453966-C-T. GRCh37 (hg19) VCF-style: chr2-73681093-C-T.
Other names: c.7442C>T, p.Ala2481Val (NM_015120.4); short protein forms A2481V, A2480V.
Identifiers: ClinVar variation 1377852 (VCV001377852.6), dbSNP rs2103793995, ClinGen allele CA347292473.

ClinVar aggregate classification (germline): Uncertain significance (1 of 4 stars; one submission).

Conditions:
Alstrom syndrome (ALMS). Identifiers: Orphanet 64, MedGen C0268425, MONDO:0008763, OMIM 203800.

Allele frequency attached by ClinVar (database versions not stated): gnomAD exomes below 0.00001.
gnomAD v4.1: 1 of 1,613,400 alleles (0.000062%); highest among the groups gnomAD compares: African/African-American, 0.0013%; no homozygotes.

Submission:

Labcorp Genetics (formerly Invitae), Labcorp
Classification: Uncertain significance for Alstrom syndrome. Last evaluated: 2022-07-06. Review status: criteria provided, single submitter. Criteria: Invitae Variant Classification Sherloc (09022015). Collection method: clinical testing. Allele origin: germline.
Comment: This sequence change replaces alanine, which is neutral and non-polar, with valine, which is neutral and non-polar, at codon 2481 of the ALMS1 protein (p.Ala2481Val). This variant is not present in population databases (gnomAD no frequency). This variant has not been reported in the literature in individuals affected with ALMS1-related conditions. ClinVar contains an entry for this variant (Variation ID: 1377852). Experimental studies and prediction algorithms are not available or were not evaluated, and the functional significance of this variant is currently unknown. In summary, the available evidence is currently insufficient to determine the role of this variant in disease. Therefore, it has been classified as a Variant of Uncertain Significance.